The following is an entry in ClinVar:

ClinVar aggregate classification (germline): Likely pathogenic (1 of 4 stars; one submission).

Submission:

Labcorp Genetics (formerly Invitae), Labcorp
Classification: Likely pathogenic. Last evaluated: 2023-11-27. Review status: criteria provided, single submitter. Criteria: Invitae Variant Classification Sherloc (09022015). Collection method: clinical testing. Allele origin: germline.
Comment: This sequence change replaces glycine, which is neutral and non-polar, with arginine, which is basic and polar, at codon 279 of the COL2A1 protein (p.Gly279Arg). This variant is not present in population databases (gnomAD no frequency). This variant has not been reported in the literature in individuals affected with COL2A1-related conditions. Advanced modeling of protein sequence and biophysical properties (such as structural, functional, and spatial information, amino acid conservation, physicochemical variation, residue mobility, and thermodynamic stability) performed at Invitae indicates that this missense variant is expected to disrupt COL2A1 protein function with a positive predictive value of 95%. This variant disrupts the triple helix domain of COL2A1. Glycine residues within the Gly-Xaa-Yaa repeats of the triple helix domain are required for the structure and stability of fibrillar collagens (PMID: 7695699, 8218237, 19344236). In COL2A1, variants affecting these glycine residues are significantly enriched in individuals with disease (PMID: 9016532, 17078022) compared to the general population (ExAC). In summary, the currently available evidence indicates that the variant is pathogenic, but additional data are needed to prove that conclusively. Therefore, this variant has been classified as Likely Pathogenic.

Literature cited by the submitters: PubMed 7695699; PubMed 8218237; PubMed 19344236; PubMed 9016532; PubMed 17078022.

NM_001844.5(COL2A1):c.835G>A (p.Gly279Arg)

Gene: COL2A1 (collagen type II alpha 1 chain; minus strand). Cytogenetic location: 12q13.11.
Variant type: single nucleotide variant.
Coding change: c.835G>A on transcript NM_001844.5 (MANE Select); coding-DNA position 835, G replaced by A.
Protein change: p.Gly279Arg; replaces glycine 279 with arginine.
Molecular consequence: missense variant.
Genome position (GRCh38, 1-based): chr12:47,994,029, C>T on the plus strand (G>A on the coding strand, the complement: COL2A1 is on the minus strand). VCF-style: chr12-47994029-C-T. GRCh37 (hg19) VCF-style: chr12-48387812-C-T.
Other names: c.628G>A, p.Gly210Arg (NM_033150.3); short protein forms G210R, G279R.
Identifiers: ClinVar variation 2825816 (VCV002825816.3), dbSNP rs2136610618, ClinGen allele CA384522345.